The following is an entry in ClinVar:

NM_000069.3(CACNA1S):c.1552G>A (p.Ala518Thr)

Gene: CACNA1S (calcium voltage-gated channel subunit alpha1 S; minus strand). Cytogenetic location: 1q32.1.
Variant type: single nucleotide variant.
Coding change: c.1552G>A on transcript NM_000069.3 (MANE Select); coding-DNA position 1552, G replaced by A.
Protein change: p.Ala518Thr; replaces alanine 518 with threonine.
Molecular consequence: missense variant.
Genome position (GRCh38, 1-based): chr1:201,077,946, C>T on the plus strand (G>A on the coding strand, the complement: CACNA1S is on the minus strand). VCF-style: chr1-201077946-C-T. GRCh37 (hg19) VCF-style: chr1-201047074-C-T.
Other names: p.Ala518Thr; short protein forms A518T.
Identifiers: ClinVar variation 1318670 (VCV001318670.6), dbSNP rs776209588, ClinGen allele CA078396.

ClinVar aggregate classification (germline): Uncertain significance. Review status: criteria provided, multiple submitters, no conflicts (2 of 4 stars). 8 submissions from 5 submitters: Uncertain significance (8). Last evaluated 2025-01-07.

Conditions:
Hypokalemic periodic paralysis, type 1. Also called: Hypokalemic Periodic Paralysis Type 1 (AD); HypoPP. Identifiers: Orphanet 681, MedGen C3714580, MONDO:0042979, OMIM 170400.
Congenital myopathy 18. Also called: Myopathy, congenital, due to dihydropyridine receptor defect; DIHYDROPYRIDINE RECEPTOR CONGENITAL MYOPATHY; DHPR CONGENITAL MYOPATHY. Identifiers: MedGen C5830283, MONDO:0859514, OMIM 620246.
Thyrotoxic periodic paralysis, susceptibility to, 1 (TTPP1). Identifiers: Orphanet 79102, MedGen C2749982, MONDO:0008570, OMIM 188580.
Malignant hyperthermia, susceptibility to, 5 (MHS5). Also called: CACNA1S-Related Malignant Hyperthermia Susceptibility. Identifiers: Orphanet 423, MedGen C1866077, MONDO:0011163, OMIM 601887.
Inborn genetic diseases. Identifiers: MedGen C0950123, MeSH D030342.

Allele frequency attached by ClinVar (database versions not stated): TOPMed 0.00002; gnomAD 0.00003.
gnomAD v4.1: 31 of 1,614,036 alleles (0.0019%); highest among the groups gnomAD compares: African/African-American, 0.0027%; no homozygotes.

Submissions (8):

Ambry Genetics
Classification: Uncertain significance for Inborn genetic diseases. Last evaluated: 2025-01-07. Review status: criteria provided, single submitter. Criteria: Ambry Variant Classification Scheme 2023. Collection method: clinical testing. Allele origin: germline.

Mayo Clinic Laboratories, Mayo Clinic
Classification: Uncertain significance. Last evaluated: 2024-02-22. Review status: criteria provided, single submitter. Criteria: ACMG Guidelines, 2015. Collection method: clinical testing. Allele origin: germline. Observed: 1 variant allele.

Genome-Nilou Lab
Classification: Uncertain significance for Malignant hyperthermia, susceptibility to, 5. Last evaluated: 2023-04-11. Review status: criteria provided, single submitter. Criteria: ACMG Guidelines, 2015. Collection method: clinical testing. Allele origin: germline. Affected: no.

Genome-Nilou Lab
Classification: Uncertain significance for Thyrotoxic periodic paralysis, susceptibility to, 1. Last evaluated: 2023-04-11. Review status: criteria provided, single submitter. Criteria: ACMG Guidelines, 2015. Collection method: clinical testing. Allele origin: germline. Affected: no.

Genome-Nilou Lab
Classification: Uncertain significance for Congenital myopathy 18. Last evaluated: 2023-04-11. Review status: criteria provided, single submitter. Criteria: ACMG Guidelines, 2015. Collection method: clinical testing. Allele origin: germline. Affected: no.

Genome-Nilou Lab
Classification: Uncertain significance for Hypokalemic periodic paralysis, type 1. Last evaluated: 2023-04-11. Review status: criteria provided, single submitter. Criteria: ACMG Guidelines, 2015. Collection method: clinical testing. Allele origin: germline. Affected: no.

Fulgent Genetics
Classification: Uncertain significance for Hypokalemic periodic paralysis, type 1; Thyrotoxic periodic paralysis, susceptibility to, 1; Malignant hyperthermia, susceptibility to, 5. Last evaluated: 2021-09-12. Review status: criteria provided, single submitter. Criteria: ACMG Guidelines, 2015. Collection method: clinical testing. Allele origin: unknown.

GeneDx
Classification: Uncertain significance. Last evaluated: 2019-10-22. Review status: criteria provided, single submitter. Criteria: GeneDx Variant Classification Process June 2021. Collection method: clinical testing. Allele origin: germline. Affected: yes.
Comment: Not observed at a significant frequency in large population cohorts (Lek et al., 2016); In silico analysis, which includes protein predictors and evolutionary conservation, supports that this variant does not alter protein structure/function; Has not been previously published as pathogenic or benign to our knowledge